The following is an entry in ClinVar:

NM_182914.3(SYNE2):c.6880-5C>T

Gene: SYNE2 (spectrin repeat containing nuclear envelope protein 2; plus strand). Cytogenetic location: 14q23.2.
Variant type: single nucleotide variant.
Coding change: c.6880-5C>T on transcript NM_182914.3 (MANE Select); 5 bases into the intron before coding-DNA position 6880, C replaced by T.
Molecular consequence: intron variant.
Genome position (GRCh38, 1-based): chr14:64,031,011, C>T. VCF-style: chr14-64031011-C-T. GRCh37 (hg19) VCF-style: chr14-64497729-C-T.
Other names: c.6880-5C>T (NM_015180.6).
Identifiers: ClinVar variation 282205 (VCV000282205.23), dbSNP rs187173455, ClinGen allele CA7220815.

ClinVar aggregate classification (germline): Benign/Likely benign. Review status: criteria provided, multiple submitters, no conflicts (2 of 4 stars). 6 submissions from 6 submitters: Benign (3); Likely benign (2). 1 of the submissions does not count toward it. Last evaluated 2026-01-12.

Conditions:
SYNE2-related disorder. Also called: SYNE2-related condition.
Emery-Dreifuss muscular dystrophy 5, autosomal dominant (EDMD5). Also called: EMERY-DREIFUSS MUSCULAR DYSTROPHY 5. Identifiers: Orphanet 261, MedGen C2751805, MONDO:0013072, OMIM 612999.

Allele frequency attached by ClinVar (database versions not stated): gnomAD exomes 0.00053; ExAC 0.00059; 1000 Genomes Project 30x 0.00156; ESP Exome Variant Server 0.00178; 1000 Genomes Project 0.00180; gnomAD 0.00217 and 0.00235; TOPMed 0.00250.
gnomAD v4.1: 641 of 1,607,230 alleles (0.04%); highest among the groups gnomAD compares: African/African-American, 0.71%; 2 homozygotes.

Submissions (6):

Labcorp Genetics (formerly Invitae), Labcorp
Classification: Benign for Emery-Dreifuss muscular dystrophy 5, autosomal dominant. Last evaluated: 2026-01-12. Review status: criteria provided, single submitter. Criteria: Invitae Variant Classification Sherloc (09022015). Collection method: clinical testing. Allele origin: germline.

Blueprint Genetics
Classification: Likely benign. Last evaluated: 2023-12-27. Review status: criteria provided, single submitter. Criteria: ACMG Guidelines, 2015. Collection method: clinical testing. Allele origin: germline.

Athena Diagnostics
Classification: Benign. Last evaluated: 2019-01-18. Review status: criteria provided, single submitter. Criteria: Athena Diagnostics Criteria. Collection method: clinical testing. Allele origin: germline.

Illumina Laboratory Services, Illumina
Classification: Benign for Emery-Dreifuss muscular dystrophy 5, autosomal dominant. Last evaluated: 2018-01-12. Review status: criteria provided, single submitter. Criteria: ICSL Variant Classification Criteria 13 December 2019. Collection method: clinical testing. Allele origin: germline.
Comment: This variant was observed in the ICSL laboratory as part of a predisposition screen in an ostensibly healthy population. It had not been previously curated by ICSL or reported in the Human Gene Mutation Database (HGMD: prior to June 1st, 2018), and was therefore a candidate for classification through an automated scoring system. Utilizing variant allele frequency, disease prevalence and penetrance estimates, and inheritance mode, an automated score was calculated to assess if this variant is too frequent to cause the disease. Based on the score and internal cut-off values, a variant classified as benign is not then subjected to further curation. The score for this variant resulted in a classification of benign for this disease.

Eurofins Ntd Llc (ga)
Classification: Likely benign. Last evaluated: 2015-08-04. Review status: criteria provided, single submitter. Criteria: EGL Classification Definitions 2015. Collection method: clinical testing. Allele origin: germline. Observed: 1 variant allele, 1 heterozygote.

PreventionGenetics, part of Exact Sciences
Classification: Benign for SYNE2-related condition. Last evaluated: 2019-08-01. Review status: no assertion criteria provided. Collection method: clinical testing. Allele origin: germline. Not counted in ClinVar's aggregate classification.
Comment: This variant is classified as benign based on ACMG/AMP sequence variant interpretation guidelines (Richards et al. 2015 PMID: 25741868, with internal and published modifications).